The following is an entry in ClinVar:

NM_000059.4(BRCA2):c.8488-24G>A

Gene: BRCA2 (BRCA2 DNA repair associated; plus strand). Cytogenetic location: 13q13.1.
Variant type: single nucleotide variant.
Coding change: c.8488-24G>A on transcript NM_000059.4 (MANE Select); 24 bases into the intron before coding-DNA position 8488, G replaced by A.
Molecular consequence: intron variant.
Genome position (GRCh38, 1-based): chr13:32,370,932, G>A. VCF-style: chr13-32370932-G-A. GRCh37 (hg19) VCF-style: chr13-32945069-G-A.
Other names: c.8392-24G>A (NM_001406719.1); c.2071-24G>A (NM_001406722.1); c.8488-24G>A (NM_001406720.1); c.3556-24G>A (NM_001406721.1).
Identifiers: ClinVar variation 3134938 (VCV003134938.1), dbSNP rs2548550573, ClinGen allele CA2825002154.

ClinVar aggregate classification (germline): Uncertain significance (1 of 4 stars; one submission).

Conditions:
Hereditary cancer-predisposing syndrome. Also called: Neoplastic Syndromes, Hereditary; Tumor predisposition; Hereditary neoplastic syndrome; Hereditary Cancer Syndrome. Identifiers: Orphanet 140162, MedGen C0027672, MeSH D009386, MONDO:0015356.

Submission:

Ambry Genetics
Classification: Uncertain significance for Hereditary cancer-predisposing syndrome. Last evaluated: 2021-01-26. Review status: criteria provided, single submitter. Criteria: Ambry Variant Classification Scheme 2023. Collection method: clinical testing. Allele origin: germline.
Comment: The c.8488-24G>A intronic alteration consists of a G to A substitution 24 nucleotides before coding exon 19 in the BRCA2 gene. Based on insufficient or conflicting evidence, the clinical significance of this alteration remains unclear.